The following is an entry in ClinVar:

NM_001211.6(BUB1B):c.811A>G (p.Arg271Gly)

Gene: BUB1B (BUB1 mitotic checkpoint serine/threonine kinase B; plus strand). Cytogenetic location: 15q15.1.
Variant type: single nucleotide variant.
Coding change: c.811A>G on transcript NM_001211.6 (MANE Select); coding-DNA position 811, A replaced by G.
Protein change: p.Arg271Gly; replaces arginine 271 with glycine.
Molecular consequence: missense variant.
Genome position (GRCh38, 1-based): chr15:40,185,224, A>G. VCF-style: chr15-40185224-A-G. GRCh37 (hg19) VCF-style: chr15-40477425-A-G.
Other names: short protein forms R271G.
Identifiers: ClinVar variation 3993696 (VCV003993696.1).

ClinVar aggregate classification (germline): Uncertain significance (1 of 4 stars; one submission).

Conditions:
Inborn genetic diseases. Identifiers: MedGen C0950123, MeSH D030342.

Submission:

Ambry Genetics
Classification: Uncertain significance for Inborn genetic diseases. Last evaluated: 2025-03-31. Review status: criteria provided, single submitter. Criteria: Ambry Variant Classification Scheme 2023. Collection method: clinical testing. Allele origin: germline.
Comment: The p.R271G variant (also known as c.811A>G), located in coding exon 7 of the BUB1B gene, results from an A to G substitution at nucleotide position 811. The arginine at codon 271 is replaced by glycine, an amino acid with dissimilar properties. This amino acid position is conserved. In addition, this alteration is predicted to be tolerated by in silico analysis. Based on the available evidence, the clinical significance of this variant remains unclear.